The following is an entry in ClinVar:

ClinVar aggregate classification (germline): Likely benign. Review status: criteria provided, multiple submitters, no conflicts (2 of 4 stars). 3 submissions from 3 submitters: Likely benign (2). 1 of the submissions does not count toward it. Last evaluated 2026-01-26.

Conditions:
CWC27-related disorder. Also called: CWC27-related condition.

Allele frequency attached by ClinVar (database versions not stated): gnomAD 0.00001; gnomAD exomes 0.00001 and 0.00009; TOPMed 0.00002; ExAC 0.00006; ESP Exome Variant Server 0.00008.
gnomAD v4.1: 27 of 1,596,028 alleles (0.0017%); highest among the groups gnomAD compares: East Asian, 0.048%; no homozygotes.

Submissions (3):

Labcorp Genetics (formerly Invitae), Labcorp
Classification: Likely benign. Last evaluated: 2026-01-26. Review status: criteria provided, single submitter. Criteria: Invitae Variant Classification Sherloc (09022015). Collection method: clinical testing. Allele origin: germline.

Blueprint Genetics
Classification: Likely benign. Last evaluated: 2024-02-29. Review status: criteria provided, single submitter. Criteria: ACMG Guidelines, 2015. Collection method: clinical testing. Allele origin: germline.

PreventionGenetics, part of Exact Sciences
Classification: Likely benign for CWC27-related condition. Last evaluated: 2019-09-17. Review status: no assertion criteria provided. Collection method: clinical testing. Allele origin: germline. Not counted in ClinVar's aggregate classification.
Comment: This variant is classified as likely benign based on ACMG/AMP sequence variant interpretation guidelines (Richards et al. 2015 PMID: 25741868, with internal and published modifications).

NM_005869.4(CWC27):c.1047A>G (p.Glu349=)

Gene: CWC27 (CWC27 spliceosome associated cyclophilin; plus strand). Cytogenetic location: 5q12.3.
Variant type: single nucleotide variant.
Coding change: c.1047A>G on transcript NM_005869.4 (MANE Select); coding-DNA position 1047, A replaced by G.
Protein change: p.Glu349=; no amino-acid change (glutamic acid 349 retained).
Molecular consequence: synonymous variant.
Genome position (GRCh38, 1-based): chr5:64,971,707, A>G. VCF-style: chr5-64971707-A-G. GRCh37 (hg19) VCF-style: chr5-64267534-A-G.
Other names: c.1047A>G, p.Glu349= (NM_001297644.1).
Identifiers: ClinVar variation 739217 (VCV000739217.11), dbSNP rs376501189, ClinGen allele CA3282205.